The following is an entry in ClinVar:

NM_001148.6(ANK2):c.10861C>G (p.Leu3621Val)

Gene: ANK2 (ankyrin 2; plus strand). Cytogenetic location: 4q26.
Variant type: single nucleotide variant.
Coding change: c.10861C>G on transcript NM_001148.6 (MANE Select); coding-DNA position 10861, C replaced by G.
Protein change: p.Leu3621Val; replaces leucine 3621 with valine.
Molecular consequence: missense variant.
Genome position (GRCh38, 1-based): chr4:113,363,442, C>G. VCF-style: chr4-113363442-C-G. GRCh37 (hg19) VCF-style: chr4-114284598-C-G.
Other names: p.L3621V:CTA>GTA; c.10861C>G (LRG_327t1); c.4579C>G, p.Leu1527Val (NM_001127493.3); c.4618C>G, p.Leu1540Val (NM_001354225.2); c.4507C>G, p.Leu1503Val (NM_001354228.2, NM_001354258.2); c.4585C>G, p.Leu1529Val (NM_001354230.2); c.4648C>G, p.Leu1550Val (NM_001354231.2, NM_001354242.2); c.4642C>G, p.Leu1548Val (NM_001354232.2); and 37 more; short protein forms L1527V, L3621V, L1461V, L1465V, L1474V, L1489V, L1493V, L1502V.
Identifiers: ClinVar variation 67597 (VCV000067597.35), dbSNP rs45570339, ClinGen allele CA199905.
Genomic context (GRCh38, chr4:113,363,442, plus strand): 5'-ATTCGAATTGAAAATCCCAACTCTCTTCAAGACCAGAGTCATGCACTGTTGAAGTACTGG[C>G]TAGAGAGGGATGGGAAACATGCTACAGGTAAGTGGGGAACTATATGCATATTGGGCTAAA-3'
Protein context (NP_001139.3, residues 3611-3631): DQSHALLKYW[Leu3621Val]ERDGKHATDT

ClinVar aggregate classification (germline): Conflicting classifications of pathogenicity. Review status: criteria provided, conflicting classifications (1 of 4 stars). 13 submissions from 13 submitters: Uncertain significance (1); Benign (6); Likely benign (2). 4 of the submissions do not count toward it. Last evaluated 2026-03-01.

Conditions:
Cardiovascular phenotype. Identifiers: MedGen CN230736.
Familial long QT syndrome (RWS). Also called: Congenital long QT syndrome; Romano-Ward syndrome; VENTRICULAR FIBRILLATION WITH PROLONGED QT INTERVAL. Identifiers: Orphanet 768, MedGen C1141890, MONDO:0019171.
Long QT syndrome (LQTS). Identifiers: MedGen C0023976, MeSH D008133, MONDO:0002442. Disease mechanism: loss of function. Inheritance: Various modes of inheritance.
Cardiac arrhythmia, ankyrin-B-related. Also called: ANKYRIN-B SYNDROME. Identifiers: Orphanet 101016, Orphanet 768, MedGen C1970119, MONDO:0010958, OMIM 600919.

Allele frequency attached by ClinVar (database versions not stated): 1000 Genomes Project 30x 0.00156; ESP Exome Variant Server 0.00315; TOPMed 0.00324; gnomAD exomes 0.00067; ExAC 0.00086; 1000 Genomes Project 0.00080; gnomAD 0.00305 and 0.00327.
gnomAD v4.1: 878 of 1,613,430 alleles (0.054%); highest among the groups gnomAD compares: African/African-American, 1.1%; 3 homozygotes.

Submissions (13):

CeGaT Center for Human Genetics Tuebingen
Classification: Benign. Last evaluated: 2026-03-01. Review status: criteria provided, single submitter. Criteria: CeGaT Center For Human Genetics Tuebingen Variant Classification Criteria Version 2. Collection method: clinical testing. Allele origin: germline. Affected: yes. Observed: 2 variant alleles.
Comment: ANK2: BS1, BS2

Labcorp Genetics (formerly Invitae), Labcorp
Classification: Benign for Long QT syndrome. Last evaluated: 2026-02-03. Review status: criteria provided, single submitter. Criteria: Invitae Variant Classification Sherloc (09022015). Collection method: clinical testing. Allele origin: germline.

Blueprint Genetics
Classification: Benign. Last evaluated: 2024-08-20. Review status: criteria provided, single submitter. Criteria: ACMG Guidelines, 2015. Collection method: clinical testing. Allele origin: germline.

Ambry Genetics
Classification: Likely benign for Cardiovascular phenotype. Last evaluated: 2021-11-16. Review status: criteria provided, single submitter. Criteria: Ambry Variant Classification Scheme 2023. Collection method: clinical testing. Allele origin: germline.

ARUP Laboratories, Molecular Genetics and Genomics, ARUP Laboratories
Classification: Uncertain significance. Last evaluated: 2019-12-27. Review status: criteria provided, single submitter. Criteria: ARUP Molecular Germline Variant Investigation Process. Collection method: clinical testing. Allele origin: germline.
Comment: The ANK2 c.10861C>G, p.Leu3621Val variant (rs45570339) is reported in the literature in one individual affected with long QT syndrome (Sherman 2005). This variant is found in the African population with an allele frequency of 0.9% (239/24,958 alleles, including 1 homozygote) in the Genome Aggregation Database. The leucine at codon 3621 is moderately conserved, and computational analyses (SIFT: tolerated, PolyPhen-2:probably damaging) predict conflicting effects of this variant on protein structure/function. Due to limited information, the clinical significance of the p.Leu3621Val variant is uncertain at this time. References: Sherman et al. Targeted mutational analysis of ankyrin-B in 541 consecutive, unrelated patients referred for long QT syndrome genetic testing and 200 healthy subjects. Heart Rhythm. 2005 Nov;2(11):1218-23. Gene statement: Pathogenic variants in ANK2 are associated with autosomal dominant ankyrin-B-related cardiac arrhythmia and long QT syndrome 4 (MIM: 600919).

Women's Health and Genetics/Laboratory Corporation of America, LabCorp
Classification: Benign. Last evaluated: 2018-12-20. Review status: criteria provided, single submitter. Criteria: LabCorp Variant Classification Summary - May 2015. Collection method: clinical testing. Allele origin: germline.
Comment: Variant summary: ANK2 c.10861C>G (p.Leu3621Val) results in a conservative amino acid change located in the Death domain of the encoded protein sequence (InterPro). Three of five in-silico tools predict a benign effect of the variant on protein function. The variant allele was found at a frequency of 0.00091 in 276772 control chromosomes, predominantly within the African subpopulation at a frequency of 0.0097 in the gnomAD database, including 1 homozygote. The observed variant frequency within African control individuals in the gnomAD database is approximately 970 fold of the estimated maximal expected allele frequency for a pathogenic variant in ANK2 causing Arrhythmia phenotype (1e-05), strongly suggesting that the variant is a benign polymorphism found primarily in populations of African origin. Two clinical diagnostic laboratories have submitted clinical-significance assessments for this variant to ClinVar after 2014 without evidence for independent evaluation. All laboratories classified the variant as benign/likely benign. Based on the evidence outlined above, the variant was classified as benign.

GeneDx
Classification: Benign. Last evaluated: 2018-03-12. Review status: criteria provided, single submitter. Criteria: GeneDx Variant Classification (06012015). Collection method: clinical testing. Allele origin: germline. Affected: yes.
Comment: This variant is considered likely benign or benign based on one or more of the following criteria: it is a conservative change, it occurs at a poorly conserved position in the protein, it is predicted to be benign by multiple in silico algorithms, and/or has population frequency not consistent with disease.

Illumina Laboratory Services, Illumina
Classification: Likely benign for Cardiac arrhythmia, ankyrin-B-related. Last evaluated: 2017-04-28. Review status: criteria provided, single submitter. Criteria: ICSL Variant Classification Criteria 13 December 2019. Collection method: clinical testing. Allele origin: germline.
Comment: This variant was observed as part of a predisposition screen in an ostensibly healthy population. A literature search was performed for the gene, cDNA change, and amino acid change (where applicable). Publications were found based on this search. The evidence from the literature, in combination with allele frequency data from public databases where available, was sufficient to determine this variant is unlikely to cause disease. Therefore, this variant is classified as likely benign.

Biesecker Lab/Clinical Genomics Section, National Institutes of Health
Classification: Benign for Long QT syndrome. Last evaluated: 2013-06-24. Review status: criteria provided, single submitter. Criteria: Ng et al. (Circ Cardiovasc Genet. 2013). Collection method: research. Allele origin: unknown. Observed: 1 variant allele. Study: ClinSeq.
Comment: The study set was not selected for affection status in relation to any cancer. Pathogenicity categories were based on literature curation. See Pubmed ID:23861362 for details.

Medical sequencing

Cardiovascular Biomedical Research Unit, Royal Brompton & Harefield NHS Foundation Trust
No classification provided. Condition: Familial long QT syndrome. Review status: no classification provided. Collection method: literature only. Allele origin: germline. Not counted in ClinVar's aggregate classification.
Comment: This variant has been reported as associated with Long QT syndrome in the following publications (PMID:16253912). This is a literature report, and does not necessarily reflect the clinical interpretation of the Imperial College / Royal Brompton Cardiovascular Genetics laboratory.

Clinical Genetics DNA and cytogenetics Diagnostics Lab, Erasmus MC, Erasmus Medical Center
Classification: Likely benign. Review status: no assertion criteria provided. Collection method: clinical testing. Allele origin: germline. Affected: yes. Study: VKGL Data-share Consensus. Not counted in ClinVar's aggregate classification.

Clinical Genetics, Academic Medical Center
Classification: Likely benign. Review status: no assertion criteria provided. Collection method: clinical testing. Allele origin: germline. Affected: yes. Study: VKGL Data-share Consensus. Not counted in ClinVar's aggregate classification.

Genome Diagnostics Laboratory, University Medical Center Utrecht
Classification: Likely benign. Review status: no assertion criteria provided. Collection method: clinical testing. Allele origin: germline. Affected: yes. Study: VKGL Data-share Consensus. Not counted in ClinVar's aggregate classification.

Literature cited by the submitters: PubMed 16650839 (cited by Women's Health and Genetics/Laboratory Corporation of America, LabCorp); PubMed 16253912 (cited by 3 submitters); PubMed 22581653 (cited by Cardiovascular Biomedical Research Unit, Royal Brompton & Harefield NHS Foundation Trust).